The following is an entry in ClinVar:

NM_001077446.4(TSEN34):c.177C>G (p.Leu59=)

Gene: TSEN34 (tRNA splicing endonuclease subunit 34; plus strand). Cytogenetic location: 19q13.42.
Variant type: single nucleotide variant.
Coding change: c.177C>G on transcript NM_001077446.4 (MANE Select); coding-DNA position 177, C replaced by G.
Protein change: p.Leu59=; no amino-acid change (leucine 59 retained).
Molecular consequence: synonymous variant.
Genome position (GRCh38, 1-based): chr19:54,191,541, C>G. VCF-style: chr19-54191541-C-G. GRCh37 (hg19) VCF-style: chr19-54695392-C-G.
Other names: c.177C>G (NM_024075.4); c.177C>G, p.Leu59= (NM_001282332.2, NM_001282333.2, NM_001386740.1 and 1 more transcripts).
Identifiers: ClinVar variation 2965130 (VCV002965130.6), dbSNP rs371101113, ClinGen allele CA309372999.

ClinVar aggregate classification (germline): Likely benign. Review status: criteria provided, multiple submitters, no conflicts (2 of 4 stars). 3 submissions from 3 submitters: Likely benign (2). 1 of the submissions does not count toward it. Last evaluated 2025-07-21.

Conditions:
TSEN34-related disorder. Also called: TSEN34-related condition.

gnomAD v4.1: 95 of 1,601,340 alleles (0.0059%); highest among the groups gnomAD compares: Admixed American, 0.017%; no homozygotes.

Submissions (3):

Labcorp Genetics (formerly Invitae), Labcorp
Classification: Likely benign. Last evaluated: 2025-07-21. Review status: criteria provided, single submitter. Criteria: Invitae Variant Classification Sherloc (09022015). Collection method: clinical testing. Allele origin: germline.

Blueprint Genetics
Classification: Likely benign. Last evaluated: 2022-09-01. Review status: criteria provided, single submitter. Criteria: ACMG Guidelines, 2015. Collection method: clinical testing. Allele origin: germline.

PreventionGenetics, part of Exact Sciences
Classification: Likely benign for TSEN34-related condition. Last evaluated: 2019-02-21. Review status: no assertion criteria provided. Collection method: clinical testing. Allele origin: germline. Not counted in ClinVar's aggregate classification.
Comment: This variant is classified as likely benign based on ACMG/AMP sequence variant interpretation guidelines (Richards et al. 2015 PMID: 25741868, with internal and published modifications).